The following is an entry in ClinVar:

ClinVar aggregate classification (germline): Uncertain significance (1 of 4 stars; one submission).

Allele frequency attached by ClinVar (database versions not stated): gnomAD exomes below 0.00001; TOPMed below 0.00001; gnomAD 0.00001.
gnomAD v4.1: 7 of 1,614,060 alleles (0.00043%); highest among the groups gnomAD compares: African/African-American, 0.0013%; no homozygotes.

Submission:

Labcorp Genetics (formerly Invitae), Labcorp
Classification: Uncertain significance. Last evaluated: 2025-03-05. Review status: criteria provided, single submitter. Criteria: Invitae Variant Classification Sherloc (09022015). Collection method: clinical testing. Allele origin: germline.
Comment: This sequence change replaces arginine, which is basic and polar, with glutamine, which is neutral and polar, at codon 354 of the GPR45 protein (p.Arg354Gln). This variant is not present in population databases (gnomAD no frequency). This variant has not been reported in the literature in individuals affected with GPR45-related conditions. ClinVar contains an entry for this variant (Variation ID: 1517145). An algorithm developed to predict the effect of missense changes on protein structure and function outputs the following: PolyPhen-2: "Benign". The glutamine amino acid residue is found in multiple mammalian species, which suggests that this missense change does not adversely affect protein function. In summary, the available evidence is currently insufficient to determine the role of this variant in disease. Therefore, it has been classified as a Variant of Uncertain Significance.

NM_007227.3(GPR45):c.1061G>A (p.Arg354Gln)

Gene: GPR45 (G protein-coupled receptor 45; plus strand). Cytogenetic location: 2q12.1.
Variant type: single nucleotide variant.
Coding change: c.1061G>A on transcript NM_007227.3 (MANE Select); coding-DNA position 1061, G replaced by A.
Protein change: p.Arg354Gln; replaces arginine 354 with glutamine.
Molecular consequence: missense variant.
Genome position (GRCh38, 1-based): chr2:105,242,919, G>A. VCF-style: chr2-105242919-G-A. GRCh37 (hg19) VCF-style: chr2-105859376-G-A.
Other names: short protein forms R354Q.
Identifiers: ClinVar variation 1517145 (VCV001517145.6), dbSNP rs751905324, ClinGen allele CA53398686.